The following is an entry in ClinVar:

NM_004727.3(SLC24A1):c.1622G>A (p.Gly541Asp)

Gene: SLC24A1 (solute carrier family 24 member 1; plus strand). Cytogenetic location: 15q22.31.
Variant type: single nucleotide variant.
Coding change: c.1622G>A on transcript NM_004727.3 (MANE Select); coding-DNA position 1622, G replaced by A.
Protein change: p.Gly541Asp; replaces glycine 541 with aspartic acid.
Molecular consequence: missense variant.
Genome position (GRCh38, 1-based): chr15:65,625,702, G>A. VCF-style: chr15-65625702-G-A. GRCh37 (hg19) VCF-style: chr15-65918040-G-A.
Other names: c.1622G>A, p.Gly541Asp (NM_001301031.1, NM_001301032.1, NM_001301033.2 and 1 more transcripts); short protein forms G541D.
Identifiers: ClinVar variation 1968745 (VCV001968745.5), dbSNP rs980461028, ClinGen allele CA271588919.
Genomic context (GRCh38, chr15:65,625,702, plus strand): 5'-GCAACGTGGGCATTGGTACCATTGTGGGCTCTGCTGTGTTCAACATTCTCTTTGTCATTG[G>A]CACTTGTTCCCTCTTCTCCCGAGAGATCCTCAACCTCACCTGGTGGCCCTTATTCCGTGA-3'
Protein context (NP_004718.1, residues 531-551): SAVFNILFVI[Gly541Asp]TCSLFSREIL

ClinVar aggregate classification (germline): Uncertain significance (1 of 4 stars; one submission).

Submission:

Labcorp Genetics (formerly Invitae), Labcorp
Classification: Uncertain significance. Last evaluated: 2022-08-22. Review status: criteria provided, single submitter. Criteria: Invitae Variant Classification Sherloc (09022015). Collection method: clinical testing. Allele origin: germline.
Comment: This sequence change replaces glycine, which is neutral and non-polar, with aspartic acid, which is acidic and polar, at codon 541 of the SLC24A1 protein (p.Gly541Asp). This variant is not present in population databases (gnomAD no frequency). This variant has not been reported in the literature in individuals affected with SLC24A1-related conditions. Algorithms developed to predict the effect of missense changes on protein structure and function are either unavailable or do not agree on the potential impact of this missense change (SIFT: "Deleterious"; PolyPhen-2: "Probably Damaging"; Align-GVGD: "Class C15"). In summary, the available evidence is currently insufficient to determine the role of this variant in disease. Therefore, it has been classified as a Variant of Uncertain Significance.